The following is an entry in ClinVar:

NM_001080512.3(BICC1):c.1639C>G (p.Pro547Ala)

Gene: BICC1 (BicC family RNA binding protein 1; plus strand). Cytogenetic location: 10q21.1.
Variant type: single nucleotide variant.
Coding change: c.1639C>G on transcript NM_001080512.3 (MANE Select); coding-DNA position 1639, C replaced by G.
Protein change: p.Pro547Ala; replaces proline 547 with alanine.
Molecular consequence: missense variant.
Genome position (GRCh38, 1-based): chr10:58,799,166, C>G. VCF-style: chr10-58799166-C-G. GRCh37 (hg19) VCF-style: chr10-60558926-C-G.
Other names: short protein forms P547A.
Identifiers: ClinVar variation 1895854 (VCV001895854.7), dbSNP rs369863098, ClinGen allele CA5508548.

ClinVar aggregate classification (germline): Uncertain significance. Review status: criteria provided, multiple submitters, no conflicts (2 of 4 stars). 2 submissions from 2 submitters: Uncertain significance (2). Last evaluated 2025-11-03.

Allele frequency attached by ClinVar (database versions not stated): ExAC 0.00002; TOPMed 0.00002; gnomAD 0.00003; gnomAD exomes 0.00003; ESP Exome Variant Server 0.00008.
gnomAD v4.1: 50 of 1,613,788 alleles (0.0031%); highest among the groups gnomAD compares: Non-Finnish European, 0.0037%; no homozygotes.

Submissions (2):

Labcorp Genetics (formerly Invitae), Labcorp
Classification: Uncertain significance. Last evaluated: 2025-11-03. Review status: criteria provided, single submitter. Criteria: Invitae Variant Classification Sherloc (09022015). Collection method: clinical testing. Allele origin: germline.
Comment: This sequence change replaces proline, which is neutral and non-polar, with alanine, which is neutral and non-polar, at codon 547 of the BICC1 protein (p.Pro547Ala). This variant is present in population databases (rs369863098, gnomAD 0.003%). This variant has not been reported in the literature in individuals affected with BICC1-related conditions. ClinVar contains an entry for this variant (Variation ID: 1895854). An algorithm developed to predict the effect of missense changes on protein structure and function (PolyPhen-2) suggests that this variant is likely to be disruptive. In summary, the available evidence is currently insufficient to determine the role of this variant in disease. Therefore, it has been classified as a Variant of Uncertain Significance.

Ambry Genetics
Classification: Uncertain significance. Last evaluated: 2024-08-28. Review status: criteria provided, single submitter. Criteria: Ambry Variant Classification Scheme 2023. Collection method: clinical testing. Allele origin: germline.